The following is an entry in ClinVar:

ClinVar aggregate classification (germline): Uncertain significance (1 of 4 stars; one submission).

Conditions:
Immunodeficiency, common variable, 7. Identifiers: Orphanet 1572, Orphanet 696894, MedGen C3542922, MONDO:0013862, OMIM 614699.

Allele frequency attached by ClinVar (database versions not stated): gnomAD exomes 0.00002 and 0.00004; TOPMed 0.00003; ExAC 0.00004; gnomAD 0.00002 and 0.00001.
gnomAD v4.1: 34 of 1,613,868 alleles (0.0021%); highest among the groups gnomAD compares: Admixed American, 0.013%; no homozygotes.

Submission:

Labcorp Genetics (formerly Invitae), Labcorp
Classification: Uncertain significance for Immunodeficiency, common variable, 7. Last evaluated: 2022-02-02. Review status: criteria provided, single submitter. Criteria: Invitae Variant Classification Sherloc (09022015). Collection method: clinical testing. Allele origin: germline.
Comment: In summary, the available evidence is currently insufficient to determine the role of this variant in disease. Therefore, it has been classified as a Variant of Uncertain Significance. Algorithms developed to predict the effect of missense changes on protein structure and function output the following: SIFT: "Tolerated"; PolyPhen-2: "Benign"; Align-GVGD: "Class C0". The methionine amino acid residue is found in multiple mammalian species, which suggests that this missense change does not adversely affect protein function. This variant has not been reported in the literature in individuals affected with CR2-related conditions. This variant is present in population databases (rs778084554, gnomAD 0.02%). This sequence change replaces threonine, which is neutral and polar, with methionine, which is neutral and non-polar, at codon 551 of the CR2 protein (p.Thr551Met).

NM_001006658.3(CR2):c.1652C>T (p.Thr551Met)

Gene: CR2 (complement C3d receptor 2; plus strand). Cytogenetic location: 1q32.2.
Variant type: single nucleotide variant.
Coding change: c.1652C>T on transcript NM_001006658.3 (MANE Select); coding-DNA position 1652, C replaced by T.
Protein change: p.Thr551Met; replaces threonine 551 with methionine.
Molecular consequence: missense variant.
Genome position (GRCh38, 1-based): chr1:207,472,853, C>T. VCF-style: chr1-207472853-C-T. GRCh37 (hg19) VCF-style: chr1-207646198-C-T.
Other names: c.1652C>T, p.Thr551Met (NM_001877.5); short protein forms T551M.
Identifiers: ClinVar variation 1448861 (VCV001448861.8), dbSNP rs778084554, ClinGen allele CA1368785.